The following is an entry in ClinVar:

NM_033109.5(PNPT1):c.830T>C (p.Phe277Ser)

Gene: PNPT1 (polyribonucleotide nucleotidyltransferase 1; minus strand). Cytogenetic location: 2p16.1.
Variant type: single nucleotide variant.
Coding change: c.830T>C on transcript NM_033109.5 (MANE Select); coding-DNA position 830, T replaced by C.
Protein change: p.Phe277Ser; replaces phenylalanine 277 with serine.
Molecular consequence: missense variant.
Genome position (GRCh38, 1-based): chr2:55,672,929, A>G on the plus strand (T>C on the coding strand, the complement: PNPT1 is on the minus strand). VCF-style: chr2-55672929-A-G. GRCh37 (hg19) VCF-style: chr2-55900064-A-G.
Other names: short protein forms F277S.
Identifiers: ClinVar variation 2650952 (VCV002650952.24), dbSNP rs1342247075, ClinGen allele CA346933680.
Genomic context (GRCh38, chr2:55,672,929, plus strand): 5'-TTTCATTTGCACAGATGTTCTTACTTATGAGTATATTTCACAATCTCTGGCGAAGGGGTA[A>G]ATAACTTCTGAGGTGTCCTCTTGGTAACACCAGTTTCTTTTACCAACTGCTGAATGCCCT-3'
Protein context (NP_149100.2, residues 267-287): GVTKRTPQKL[Phe277Ser]TPSPEIVKYT

ClinVar aggregate classification (germline): Uncertain significance (1 of 4 stars; one submission).

Allele frequency attached by ClinVar (database versions not stated): gnomAD exomes below 0.00001; TOPMed below 0.00001.
gnomAD v4.1: 3 of 1,609,228 alleles (0.00019%); highest among the groups gnomAD compares: African/African-American, 0.0013%; no homozygotes.

Submission:

CeGaT Center for Human Genetics Tuebingen
Classification: Uncertain significance. Last evaluated: 2022-08-01. Review status: criteria provided, single submitter. Criteria: CeGaT Center For Human Genetics Tuebingen Variant Classification Criteria Version 2. Collection method: clinical testing. Allele origin: germline. Affected: yes. Observed: 1 variant allele.
Comment: PNPT1: PM2